The following is an entry in ClinVar:

ClinVar aggregate classification (germline): Uncertain significance. Review status: criteria provided, multiple submitters, no conflicts (2 of 4 stars). 3 submissions from 3 submitters: Uncertain significance (3). Last evaluated 2026-04-27.

Conditions:
Dilated cardiomyopathy 1G (CMD1G). Identifiers: Orphanet 154, MedGen C1858763, MONDO:0011400, OMIM 604145.
Autosomal recessive limb-girdle muscular dystrophy type 2J (LGMDR10). Also called: Limb-girdle muscular dystrophy, type 2J; MUSCULAR DYSTROPHY, LIMB-GIRDLE, AUTOSOMAL RECESSIVE 10. Identifiers: Orphanet 140922, MedGen C1837342, MONDO:0012127, OMIM 608807.

Allele frequency attached by ClinVar (database versions not stated): gnomAD exomes below 0.00001 and 0.00001; TOPMed below 0.00001; ExAC 0.00002; gnomAD 0.00002.
gnomAD v4.1: 5 of 1,612,672 alleles (0.00031%); highest among the groups gnomAD compares: Non-Finnish European, 0.00042%; no homozygotes.

Submissions (3):

Women's Health and Genetics/Laboratory Corporation of America, LabCorp
Classification: Uncertain significance. Last evaluated: 2026-04-27. Review status: criteria provided, single submitter. Criteria: LabCorp Variant Classification Summary - May 2015. Collection method: clinical testing. Allele origin: germline.

GeneDx
Classification: Uncertain significance. Last evaluated: 2021-02-11. Review status: criteria provided, single submitter. Criteria: GeneDx Variant Classification Process June 2021. Collection method: clinical testing. Allele origin: germline. Affected: yes.
Comment: Not observed at a significant frequency in large population cohorts (Lek et al., 2016); Missense variant in a gene in which most reported pathogenic variants are truncating/loss-of-function; Has not been previously published as pathogenic or benign to our knowledge

Labcorp Genetics (formerly Invitae), Labcorp
Classification: Uncertain significance for Dilated cardiomyopathy 1G; Autosomal recessive limb-girdle muscular dystrophy type 2J. Last evaluated: 2017-10-14. Review status: criteria provided, single submitter. Criteria: Invitae Variant Classification Sherloc (09022015). Collection method: clinical testing. Allele origin: germline.

NM_001267550.2(TTN):c.51079A>T (p.Ile17027Phe)

Genes: TTN (titin; minus strand), TTN-AS1 (TTN antisense RNA 1; plus strand). Cytogenetic location: 2q31.2.
Variant type: single nucleotide variant.
Coding change: c.51079A>T on transcript NM_001267550.2 (MANE Select); coding-DNA position 51079, A replaced by T.
Protein change: p.Ile17027Phe; replaces isoleucine 17027 with phenylalanine.
Molecular consequence: missense variant.
Genome position (GRCh38, 1-based): chr2:178,611,050, T>A on the plus strand (A>T on the coding strand, the complement: TTN is on the minus strand). VCF-style: chr2-178611050-T-A. GRCh37 (hg19) VCF-style: chr2-179475777-T-A.
Other names: c.46156A>T, p.Ile15386Phe (NM_001256850.1); c.23884A>T, p.Ile7962Phe (NM_003319.4); c.43375A>T, p.Ile14459Phe (NM_133378.4); c.24259A>T, p.Ile8087Phe (NM_133432.3); c.24460A>T, p.Ile8154Phe (NM_133437.4); short protein forms I17027F, I15386F, I8087F, I14459F, I7962F, I8154F.
Identifiers: ClinVar variation 535578 (VCV000535578.6), dbSNP rs770809063, ClinGen allele CA1994254.